The following is an entry in ClinVar:

ClinVar aggregate classification (germline): Uncertain significance. Review status: criteria provided, multiple submitters, no conflicts (2 of 4 stars). 2 submissions from 2 submitters: Uncertain significance (2). Last evaluated 2025-04-09.

Conditions:
Inborn genetic diseases. Identifiers: MedGen C0950123, MeSH D030342.
Leber congenital amaurosis 17 (LCA17). Identifiers: Orphanet 65, MedGen C3715164, MONDO:0014145, OMIM 615360.
Klippel-Feil syndrome 1, autosomal dominant (KFS1). Also called: CERVICAL VERTEBRAL FUSION, AUTOSOMAL DOMINANT. Identifiers: Orphanet 2345, MedGen C1861689, MONDO:0007306, OMIM 118100.
Isolated microphthalmia 4. Identifiers: Orphanet 2542, MedGen C2751307, MONDO:0013130, OMIM 613094.
Microphthalmia, isolated, with coloboma 6 (MCOPCB6). Also called: MICROPHTHALMIA/COLOBOMA 6; Microphthalmia with coloboma 6, digenic; Microphthalmia with coloboma 6. Identifiers: Orphanet 98938, MedGen C3150968, MONDO:0013376, OMIM 613703.

Allele frequency attached by ClinVar (database versions not stated): TOPMed 0.00002; ExAC 0.00003; gnomAD 0.00004; ESP Exome Variant Server 0.00008.
gnomAD v4.1: 41 of 1,613,226 alleles (0.0025%); highest among the groups gnomAD compares: Non-Finnish European, 0.0035%; no homozygotes.

Submissions (2):

Ambry Genetics
Classification: Uncertain significance for Inborn genetic diseases. Last evaluated: 2025-04-09. Review status: criteria provided, single submitter. Criteria: Ambry Variant Classification Scheme 2023. Collection method: clinical testing. Allele origin: germline.

Labcorp Genetics (formerly Invitae), Labcorp
Classification: Uncertain significance for Isolated microphthalmia 4; Leber congenital amaurosis 17; Klippel-Feil syndrome 1, autosomal dominant; Microphthalmia, isolated, with coloboma 6. Last evaluated: 2024-07-08. Review status: criteria provided, single submitter. Criteria: Invitae Variant Classification Sherloc (09022015). Collection method: clinical testing. Allele origin: germline.
Comment: This sequence change replaces arginine, which is basic and polar, with proline, which is neutral and non-polar, at codon 56 of the GDF6 protein (p.Arg56Pro). This variant is present in population databases (rs375108591, gnomAD 0.004%). This variant has not been reported in the literature in individuals affected with GDF6-related conditions. ClinVar contains an entry for this variant (Variation ID: 836171). An algorithm developed to predict the effect of missense changes on protein structure and function (PolyPhen-2) suggests that this variant is likely to be disruptive. In summary, the available evidence is currently insufficient to determine the role of this variant in disease. Therefore, it has been classified as a Variant of Uncertain Significance.

NM_001001557.4(GDF6):c.167G>C (p.Arg56Pro)

Gene: GDF6 (growth differentiation factor 6; minus strand). Cytogenetic location: 8q22.1.
Variant type: single nucleotide variant.
Coding change: c.167G>C on transcript NM_001001557.4 (MANE Select); coding-DNA position 167, G replaced by C.
Protein change: p.Arg56Pro; replaces arginine 56 with proline.
Molecular consequence: missense variant.
Genome position (GRCh38, 1-based): chr8:96,160,526, C>G on the plus strand (G>C on the coding strand, the complement: GDF6 is on the minus strand). VCF-style: chr8-96160526-C-G. GRCh37 (hg19) VCF-style: chr8-97172754-C-G.
Other names: short protein forms R56P.
Identifiers: ClinVar variation 836171 (VCV000836171.10), dbSNP rs375108591, ClinGen allele CA4815540.